The following is an entry in ClinVar:

ClinVar aggregate classification (germline): Uncertain significance (1 of 4 stars; one submission).

Submission:

Labcorp Genetics (formerly Invitae), Labcorp
Classification: Uncertain significance. Last evaluated: 2024-05-21. Review status: criteria provided, single submitter. Criteria: Invitae Variant Classification Sherloc (09022015). Collection method: clinical testing. Allele origin: germline.
Comment: This sequence change replaces alanine, which is neutral and non-polar, with valine, which is neutral and non-polar, at codon 1105 of the RAI1 protein (p.Ala1105Val). This variant is not present in population databases (gnomAD no frequency). This variant has not been reported in the literature in individuals affected with RAI1-related conditions. Advanced modeling of protein sequence and biophysical properties (such as structural, functional, and spatial information, amino acid conservation, physicochemical variation, residue mobility, and thermodynamic stability) performed at Invitae indicates that this missense variant is not expected to disrupt RAI1 protein function with a negative predictive value of 80%. In summary, the available evidence is currently insufficient to determine the role of this variant in disease. Therefore, it has been classified as a Variant of Uncertain Significance.

NM_030665.4(RAI1):c.3314C>T (p.Ala1105Val)

Gene: RAI1 (retinoic acid induced 1; plus strand). Cytogenetic location: 17p11.2.
Variant type: single nucleotide variant.
Coding change: c.3314C>T on transcript NM_030665.4 (MANE Select); coding-DNA position 3314, C replaced by T.
Protein change: p.Ala1105Val; replaces alanine 1105 with valine.
Molecular consequence: missense variant.
Genome position (GRCh38, 1-based): chr17:17,796,262, C>T. VCF-style: chr17-17796262-C-T. GRCh37 (hg19) VCF-style: chr17-17699576-C-T.
Other names: short protein forms A1105V.
Identifiers: ClinVar variation 2699180 (VCV002699180.3), dbSNP rs2508586447, ClinGen allele CA398553332.
Genomic context (GRCh38, chr17:17,796,262, plus strand): 5'-GGGGCAAGCAGCGAGCCGCCTTCAAGTCGGGCAAGCGGGTGGGGAAGCCCTCACCCAAGG[C>T]TGCCTCCAGCCCCAGCAACCCGGCCGCCCTGCCTGTGGCCTCCGACAGCAGCCCGATGGG-3'
Protein context (NP_109590.3, residues 1095-1115): GKRVGKPSPK[Ala1105Val]ASSPSNPAAL